The following is an entry in ClinVar:

ClinVar aggregate classification (germline): Uncertain significance (1 of 4 stars; one submission).

Conditions:
Charcot-Marie-Tooth disease recessive intermediate C. Also called: CHARCOT-MARIE-TOOTH NEUROPATHY, RECESSIVE INTERMEDIATE C. Identifiers: Orphanet 369867, MedGen C3809309, MONDO:0014154, OMIM 615376.
Neuronopathy, distal hereditary motor, autosomal recessive 4. Also called: Autosomal recessive lower motor neuron disease with childhood onset; NEUROPATHY, DISTAL HEREDITARY MOTOR, AUTOSOMAL RECESSIVE 4. Identifiers: Orphanet 206580, MedGen C1970211, MONDO:0012608, OMIM 611067.

Allele frequency attached by ClinVar (database versions not stated): TOPMed below 0.00001; ExAC 0.00001; gnomAD exomes 0.00001.
gnomAD v4.1: 9 of 1,612,670 alleles (0.00056%); highest among the groups gnomAD compares: South Asian, 0.0011%; no homozygotes.

Submission:

Labcorp Genetics (formerly Invitae), Labcorp
Classification: Uncertain significance for Neuronopathy, distal hereditary motor, autosomal recessive 4; Charcot-Marie-Tooth disease recessive intermediate C. Last evaluated: 2021-12-02. Review status: criteria provided, single submitter. Criteria: Invitae Variant Classification Sherloc (09022015). Collection method: clinical testing. Allele origin: germline.
Comment: This sequence change creates a premature translational stop signal (p.Arg990*) in the PLEKHG5 gene. While this is not anticipated to result in nonsense mediated decay, it is expected to disrupt the last 17 amino acid(s) of the PLEKHG5 protein. This variant is present in population databases (rs772171318, gnomAD 0.002%). This variant has not been reported in the literature in individuals affected with PLEKHG5-related conditions. ClinVar contains an entry for this variant (Variation ID: 947464). In summary, the available evidence is currently insufficient to determine the role of this variant in disease. Therefore, it has been classified as a Variant of Uncertain Significance.

NM_020631.6(PLEKHG5):c.2968C>T (p.Arg990Ter)

Gene: PLEKHG5 (pleckstrin homology and RhoGEF domain containing G5; minus strand). Cytogenetic location: 1p36.31.
Variant type: single nucleotide variant.
Coding change: c.2968C>T on transcript NM_020631.6 (MANE Select); coding-DNA position 2968, C replaced by T.
Protein change: p.Arg990Ter; replaces arginine 990 with a stop codon.
Molecular consequence: nonsense. On other transcripts: missense variant (1).
Genome position (GRCh38, 1-based): chr1:6,467,868, G>A on the plus strand (C>T on the coding strand, the complement: PLEKHG5 is on the minus strand). VCF-style: chr1-6467868-G-A. GRCh37 (hg19) VCF-style: chr1-6527928-G-A.
Other names: c.3079C>T, p.Arg1027Ter (NM_001042663.3, NM_001265592.2); c.2968C>T, p.Arg990Ter (NM_001042664.2, NM_001042665.2, NM_198681.4); c.3175C>T, p.Arg1059Ter (NM_001265593.2); c.2768C>T, p.Pro923Leu (NM_001265594.3); short protein forms R1059*, R1027*, P923L, R990*.
Identifiers: ClinVar variation 947464 (VCV000947464.6), dbSNP rs772171318, ClinGen allele CA561057.
Genomic context (GRCh38, chr1:6,467,868, plus strand): 5'-CAGTCCAGGCCACTCACGAGGCAGTGAGCGTGGAGTTAAGCAGCAGGGTGGTCCTGATTC[G>A]GTAGAGCTGGGCCAGGGTCAGCTTCCTGTGCTGGGCAGAGACCCCTGGTGGGGGCTCAGG-3'